The following is an entry in ClinVar:

ClinVar aggregate classification (germline): Uncertain significance (1 of 4 stars; one submission).

Conditions:
Aicardi-Goutieres syndrome 5. Identifiers: Orphanet 51, MedGen C2749659, MONDO:0013059, OMIM 612952.

Allele frequency attached by ClinVar (database versions not stated): gnomAD exomes 0.00001; ExAC 0.00002; TOPMed 0.00002.
gnomAD v4.1: 50 of 1,611,238 alleles (0.0031%); highest among the groups gnomAD compares: Non-Finnish European, 0.0042%; no homozygotes.

Submission:

Labcorp Genetics (formerly Invitae), Labcorp
Classification: Uncertain significance for Aicardi-Goutieres syndrome 5. Last evaluated: 2021-08-28. Review status: criteria provided, single submitter. Criteria: Invitae Variant Classification Sherloc (09022015). Collection method: clinical testing. Allele origin: germline.
Comment: This sequence change replaces threonine with serine at codon 420 of the SAMHD1 protein (p.Thr420Ser). The threonine residue is moderately conserved and there is a small physicochemical difference between threonine and serine. This variant is present in population databases (rs754153159, ExAC 0.003%). This variant has not been reported in the literature in individuals affected with SAMHD1-related conditions. Algorithms developed to predict the effect of missense changes on protein structure and function output the following: SIFT: "Tolerated"; PolyPhen-2: "Benign"; Align-GVGD: "Class C0". The serine amino acid residue is found in multiple mammalian species, which suggests that this missense change does not adversely affect protein function. In summary, the available evidence is currently insufficient to determine the role of this variant in disease. Therefore, it has been classified as a Variant of Uncertain Significance.

NM_015474.4(SAMHD1):c.1258A>T (p.Thr420Ser)

Gene: SAMHD1 (SAM and HD domain containing deoxynucleoside triphosphate triphosphohydrolase 1; minus strand). Cytogenetic location: 20q11.23.
Variant type: single nucleotide variant.
Coding change: c.1258A>T on transcript NM_015474.4 (MANE Select); coding-DNA position 1258, A replaced by T.
Protein change: p.Thr420Ser; replaces threonine 420 with serine.
Molecular consequence: missense variant.
Genome position (GRCh38, 1-based): chr20:36,911,230, T>A on the plus strand (A>T on the coding strand, the complement: SAMHD1 is on the minus strand). VCF-style: chr20-36911230-T-A. GRCh37 (hg19) VCF-style: chr20-35539633-T-A.
Other names: c.1258A>T, p.Thr420Ser (NM_001363729.2, NM_001363733.2); short protein forms T420S.
Identifiers: ClinVar variation 582521 (VCV000582521.8), dbSNP rs754153159, ClinGen allele CA9844550.